The following is an entry in ClinVar:

NM_000548.5(TSC2):c.3436G>C (p.Ala1146Pro)

Gene: TSC2 (TSC complex subunit 2; plus strand). Cytogenetic location: 16p13.3.
Variant type: single nucleotide variant.
Coding change: c.3436G>C on transcript NM_000548.5 (MANE Select); coding-DNA position 3436, G replaced by C.
Protein change: p.Ala1146Pro; replaces alanine 1146 with proline.
Molecular consequence: missense variant. On other transcripts: non-coding transcript variant (5).
Genome position (GRCh38, 1-based): chr16:2,080,203, G>C. VCF-style: chr16-2080203-G-C. GRCh37 (hg19) VCF-style: chr16-2130204-G-C.
Other names: c.3304G>C, p.Ala1102Pro (NM_001077183.3, NM_001370404.1, NM_001406665.1); c.3436G>C, p.Ala1146Pro (NM_001114382.3); c.3196G>C, p.Ala1066Pro (NM_001318827.2); c.3160G>C, p.Ala1054Pro (NM_001318829.2); c.2704G>C, p.Ala902Pro (NM_001318831.2, NM_001406687.1, NM_001406688.1); c.3337G>C, p.Ala1113Pro (NM_001318832.2); c.3307G>C, p.Ala1103Pro (NM_001363528.2, NM_001370405.1, NM_021055.3); c.3433G>C, p.Ala1145Pro (NM_001406663.1, NM_001406664.1); and 18 more; short protein forms A1065P, A1066P, A1083P, A1096P, A1102P, A1109P, A1146P, A903P.
Identifiers: ClinVar variation 4825873 (VCV004825873.1).

ClinVar aggregate classification (germline): Uncertain significance (1 of 4 stars; one submission).

Conditions:
Hereditary cancer-predisposing syndrome. Also called: Neoplastic Syndromes, Hereditary; Tumor predisposition; Hereditary Cancer Syndrome; Hereditary neoplastic syndrome. Identifiers: Orphanet 140162, MedGen C0027672, MeSH D009386, MONDO:0015356.

Submission:

Ambry Genetics
Classification: Uncertain significance for Hereditary cancer-predisposing syndrome. Last evaluated: 2026-02-13. Review status: criteria provided, single submitter. Criteria: Ambry Variant Classification Scheme 2023. Collection method: clinical testing. Allele origin: germline.
Comment: The p.A1146P variant (also known as c.3436G>C), located in coding exon 29 of the TSC2 gene, results from a G to C substitution at nucleotide position 3436. The alanine at codon 1146 is replaced by proline, an amino acid with highly similar properties. This amino acid position is not well conserved in available vertebrate species. In addition, the in silico prediction for this alteration is inconclusive. Based on the available evidence, the clinical significance of this variant remains unclear.